The following is an entry in ClinVar:

ClinVar aggregate classification (germline): Uncertain significance (1 of 4 stars; one submission).

Conditions:
Hereditary pancreatitis (PCTT). Also called: PRSS1-Related Hereditary Pancreatitis; Hereditary chronic pancreatitis. Identifiers: Orphanet 676, MedGen C0238339, MONDO:0008185, OMIM 167800.

Allele frequency attached by ClinVar (database versions not stated): gnomAD exomes below 0.00001.
gnomAD v4.1: 1 of 1,614,224 alleles (0.000062%); highest among the groups gnomAD compares: Non-Finnish European, 0.000085%; no homozygotes.

Submission:

Ambry Genetics
Classification: Uncertain significance for Hereditary pancreatitis. Last evaluated: 2024-11-12. Review status: criteria provided, single submitter. Criteria: Ambry Variant Classification Scheme 2023. Collection method: clinical testing. Allele origin: germline.
Comment: The p.T274I variant (also known as c.821C>T), located in coding exon 8 of the CPA1 gene, results from a C to T substitution at nucleotide position 821. The threonine at codon 274 is replaced by isoleucine, an amino acid with similar properties. This amino acid position is conserved. In addition, this alteration is predicted to be tolerated by in silico analysis. Since supporting evidence is limited at this time, the clinical significance of this alteration remains unclear.

NM_001868.4(CPA1):c.821C>T (p.Thr274Ile)

Gene: CPA1 (carboxypeptidase A1; plus strand). Cytogenetic location: 7q32.2.
Variant type: single nucleotide variant.
Coding change: c.821C>T on transcript NM_001868.4 (MANE Select); coding-DNA position 821, C replaced by T.
Protein change: p.Thr274Ile; replaces threonine 274 with isoleucine.
Molecular consequence: missense variant.
Genome position (GRCh38, 1-based): chr7:130,385,179, C>T. VCF-style: chr7-130385179-C-T. GRCh37 (hg19) VCF-style: chr7-130025020-C-T.
Other names: short protein forms T274I.
Identifiers: ClinVar variation 1762505 (VCV001762505.3), dbSNP rs2536012086, ClinGen allele CA369283313.